The following is an entry in ClinVar:

NM_000717.5(CA4):c.705G>C (p.Trp235Cys)

Gene: CA4 (carbonic anhydrase 4; plus strand). Cytogenetic location: 17q23.1.
Variant type: single nucleotide variant.
Coding change: c.705G>C on transcript NM_000717.5 (MANE Select); coding-DNA position 705, G replaced by C.
Protein change: p.Trp235Cys; replaces tryptophan 235 with cysteine.
Molecular consequence: missense variant. On other transcripts: non-coding transcript variant (1).
Genome position (GRCh38, 1-based): chr17:60,158,407, G>C. VCF-style: chr17-60158407-G-C. GRCh37 (hg19) VCF-style: chr17-58235768-G-C.
Other names: short protein forms W235C.
Identifiers: ClinVar variation 1934568 (VCV001934568.5), dbSNP rs757960928, ClinGen allele CA8685487.

ClinVar aggregate classification (germline): Uncertain significance (1 of 4 stars; one submission).

Allele frequency attached by ClinVar (database versions not stated): gnomAD exomes below 0.00001; TOPMed below 0.00001; ExAC 0.00001; gnomAD 0.00001.
gnomAD v4.1: 8 of 1,613,996 alleles (0.0005%); highest among the groups gnomAD compares: Non-Finnish European, 0.00068%; no homozygotes.

Submission:

Labcorp Genetics (formerly Invitae), Labcorp
Classification: Uncertain significance. Last evaluated: 2023-02-01. Review status: criteria provided, single submitter. Criteria: Invitae Variant Classification Sherloc (09022015). Collection method: clinical testing. Allele origin: germline.
Comment: This variant has not been reported in the literature in individuals affected with CA4-related conditions. This sequence change replaces tryptophan, which is neutral and slightly polar, with cysteine, which is neutral and slightly polar, at codon 235 of the CA4 protein (p.Trp235Cys). This variant is present in population databases (rs757960928, gnomAD 0.002%). Advanced modeling of protein sequence and biophysical properties (such as structural, functional, and spatial information, amino acid conservation, physicochemical variation, residue mobility, and thermodynamic stability) performed at Invitae indicates that this missense variant is expected to disrupt CA4 protein function. In summary, the available evidence is currently insufficient to determine the role of this variant in disease. Therefore, it has been classified as a Variant of Uncertain Significance.